The following is an entry in ClinVar:

ClinVar aggregate classification (germline): Uncertain significance (1 of 4 stars; one submission).

Submission:

Athena Diagnostics
Classification: Uncertain significance. Last evaluated: 2024-01-10. Review status: criteria provided, single submitter. Criteria: Athena Diagnostics Criteria. Collection method: clinical testing. Allele origin: unknown.
Comment: Available data are insufficient to determine the clinical significance of the variant at this time. This variant has not been reported in large, multi-ethnic general populations. Computational tools predict that this variant is not damaging.

NM_001195248.2(APTX):c.470C>T (p.Ala157Val)

Gene: APTX (aprataxin; minus strand). Cytogenetic location: 9p21.1.
Variant type: single nucleotide variant.
Coding change: c.470C>T on transcript NM_001195248.2 (MANE Select); coding-DNA position 470, C replaced by T.
Protein change: p.Ala157Val; replaces alanine 157 with valine.
Molecular consequence: missense variant. On other transcripts: non-coding transcript variant (13), intron variant (1).
Genome position (GRCh38, 1-based): chr9:32,987,557, G>A on the plus strand (C>T on the coding strand, the complement: APTX is on the minus strand). VCF-style: chr9-32987557-G-A. GRCh37 (hg19) VCF-style: chr9-32987555-G-A.
Other names: c.470C>T, p.Ala157Val (NM_001195249.2, NM_001195251.2, NM_001368995.1 and 6 more transcripts); c.308C>T, p.Ala103Val (NM_001195250.2, NM_001195254.2, NM_001369000.1 and 1 more transcripts); c.206C>T, p.Ala69Val (NM_001369002.1, NM_001369003.1, NM_001369004.1 and 5 more transcripts); c.267+203C>T (NM_001195252.2); short protein forms A103V, A157V, A69V.
Identifiers: ClinVar variation 3571655 (VCV003571655.1).